The following is an entry in ClinVar:

NM_003673.4(TCAP):c.88C>G (p.Leu30Val)

Gene: TCAP (titin-cap; plus strand). Cytogenetic location: 17q12.
Variant type: single nucleotide variant.
Coding change: c.88C>G on transcript NM_003673.4 (MANE Select); coding-DNA position 88, C replaced by G.
Protein change: p.Leu30Val; replaces leucine 30 with valine.
Molecular consequence: missense variant.
Genome position (GRCh38, 1-based): chr17:39,665,447, C>G. VCF-style: chr17-39665447-C-G. GRCh37 (hg19) VCF-style: chr17-37821700-C-G.
Other names: short protein forms L30V.
Identifiers: ClinVar variation 853619 (VCV000853619.8), dbSNP rs1282445039, ClinGen allele CA399303095.

ClinVar aggregate classification (germline): Uncertain significance (1 of 4 stars; one submission).

Conditions:
Hypertrophic cardiomyopathy 25 (CMH25). Also called: CARDIOMYOPATHY, FAMILIAL HYPERTROPHIC, 25. Identifiers: MedGen C4225408, MONDO:0011843, OMIM 607487.
Primary familial hypertrophic cardiomyopathy (HCM). Identifiers: Orphanet 99739, MedGen C0949658, MeSH D024741, MONDO:0024573. Inheritance: Various modes of inheritance.

Submission:

Labcorp Genetics (formerly Invitae), Labcorp
Classification: Uncertain significance for Hypertrophic cardiomyopathy 25; Primary familial hypertrophic cardiomyopathy. Last evaluated: 2025-10-27. Review status: criteria provided, single submitter. Criteria: Invitae Variant Classification Sherloc (09022015). Collection method: clinical testing. Allele origin: germline.
Comment: This sequence change replaces leucine, which is neutral and non-polar, with valine, which is neutral and non-polar, at codon 30 of the TCAP protein (p.Leu30Val). This variant is not present in population databases (gnomAD no frequency). This variant has not been reported in the literature in individuals affected with TCAP-related conditions. ClinVar contains an entry for this variant (Variation ID: 853619). An algorithm developed to predict the effect of missense changes on protein structure and function (PolyPhen-2) suggests that this variant is likely to be disruptive. In summary, the available evidence is currently insufficient to determine the role of this variant in disease. Therefore, it has been classified as a Variant of Uncertain Significance.